The following is an entry in ClinVar:

NM_022455.5(NSD1):c.5581C>T (p.Arg1861Ter)

Gene: NSD1 (nuclear receptor binding SET domain protein 1; plus strand). Cytogenetic location: 5q35.3.
Variant type: single nucleotide variant.
Coding change: c.5581C>T on transcript NM_022455.5 (MANE Select); coding-DNA position 5581, C replaced by T.
Protein change: p.Arg1861Ter; replaces arginine 1861 with a stop codon.
Molecular consequence: nonsense.
Genome position (GRCh38, 1-based): chr5:177,273,743, C>T. VCF-style: chr5-177273743-C-T. GRCh37 (hg19) VCF-style: chr5-176700744-C-T.
Other names: c.4708C>T, p.Arg1570Ter (NM_001365684.2, NM_001409308.1, NM_001409309.1 and 1 more transcripts); c.5581C>T, p.Arg1861Ter (NM_001409301.1, NM_001409302.1, NM_001409303.1); c.5161C>T, p.Arg1721Ter (NM_001409304.1); c.4828C>T, p.Arg1610Ter (NM_001409305.1); c.4819C>T, p.Arg1607Ter (NM_001409306.1, NM_001409307.1); short protein forms R1861*, R1592*, R1570*, R1721*, R1607*, R1610*.
Identifiers: ClinVar variation 279857 (VCV000279857.62), dbSNP rs886041218, ClinGen allele CA10602934.

ClinVar aggregate classification (germline): Pathogenic. Review status: criteria provided, multiple submitters, no conflicts (2 of 4 stars). 10 submissions from 10 submitters: Pathogenic (10). Last evaluated 2025-08-21.

Conditions:
NSD1-related disorder. Also called: NSD1-related condition.
Sotos syndrome (SOTOS). Also called: Sotos' syndrome; CHROMOSOME 5q35 DELETION SYNDROME; CEREBRAL GIGANTISM; SOTOS SYNDROME 1; Distinctive facial appearance, overgrowth in childhood, and learning disabilities or delayed development. Identifiers: Orphanet 821, MedGen C0175695, MONDO:0019349, OMIM 117550.

Submissions (10):

Division of Genetic & Genomic Pathology, Hong Kong Children's Hospital
Classification: Pathogenic for Sotos syndrome. Last evaluated: 2025-08-21. Review status: criteria provided, single submitter. Criteria: ACMG Guidelines, 2015. Collection method: clinical testing. Allele origin: germline. Affected: yes.
Comment: NSD1 c.5581C>T p.(Arg1861*) is a nonsense variant located in exon 17 (out of 23 exons). It is predicted to cause loss of normal protein function by nonsense-mediated mRNA decay. This variant is absent from population controls (gnomAD v4.1.0 and gnomAD v2.1.1). It has been deposited in ClinVar as pathogenic (VCV000279857.50), and detected in patients with Sotos Syndrome (PMID: 38535015, 37066965). For these reasons, this variant is classified as pathogenic.

Laboratorio de Genetica e Diagnostico Molecular, Hospital Israelita Albert Einstein
Classification: Pathogenic for Sotos syndrome. Last evaluated: 2024-11-18. Review status: criteria provided, single submitter. Criteria: ACMG Guidelines, 2015. Collection method: clinical testing. Allele origin: germline. Affected: yes.
Comment: ACMG classification criteria: PVS1 very strong, PS4 supporting, PM2 supporting

GeneDx
Classification: Pathogenic. Last evaluated: 2023-09-17. Review status: criteria provided, single submitter. Criteria: GeneDx Variant Classification Process June 2021. Collection method: clinical testing. Allele origin: germline. Affected: yes.
Comment: Nonsense variant predicted to result in protein truncation or nonsense mediated decay in a gene for which loss of function is a known mechanism of disease; Not observed at significant frequency in large population cohorts (gnomAD); This variant is associated with the following publications: (PMID: 25525159, 17565729)

Blueprint Genetics
Classification: Pathogenic for NSD1-related disorders. Last evaluated: 2023-06-02. Review status: criteria provided, single submitter. Criteria: ACMG Guidelines, 2015. Collection method: clinical testing. Allele origin: de novo. Affected: yes. Observed: 1 variant allele.

Labcorp Genetics (formerly Invitae), Labcorp
Classification: Pathogenic. Last evaluated: 2022-04-03. Review status: criteria provided, single submitter. Criteria: Invitae Variant Classification Sherloc (09022015). Collection method: clinical testing. Allele origin: germline.
Comment: For these reasons, this variant has been classified as Pathogenic. This sequence change creates a premature translational stop signal (p.Arg1861*) in the NSD1 gene. It is expected to result in an absent or disrupted protein product. Loss-of-function variants in NSD1 are known to be pathogenic (PMID: 12464997, 14571271, 15942875, 16247291). This variant is not present in population databases (gnomAD no frequency). This premature translational stop signal has been observed in individual(s) with Sotos syndrome (PMID: 17565729). ClinVar contains an entry for this variant (Variation ID: 279857).

Laboratory of Medical Genetics, National & Kapodistrian University of Athens
Classification: Pathogenic for Sotos syndrome. Last evaluated: 2021-10-05. Review status: criteria provided, single submitter. Criteria: ACMG Guidelines, 2015. Collection method: clinical testing. Allele origin: unknown. Affected: yes.
Comment: PVS1, PM2, PP5

Genome-Nilou Lab
Classification: Pathogenic for Sotos syndrome. Last evaluated: 2021-07-15. Review status: criteria provided, single submitter. Criteria: ACMG Guidelines, 2015. Collection method: clinical testing. Allele origin: germline. Affected: no.

CeGaT Center for Human Genetics Tuebingen
Classification: Pathogenic. Last evaluated: 2017-03-01. Review status: criteria provided, single submitter. Criteria: CeGaT Center For Human Genetics Tuebingen Variant Classification Criteria Version 2. Collection method: clinical testing. Allele origin: germline. Affected: yes. Observed: 1 variant allele.

Genetic Services Laboratory, University of Chicago
Classification: Pathogenic for Sotos syndrome 1. Last evaluated: 2015-11-06. Review status: criteria provided, single submitter. Criteria: ACMG Guidelines, 2015. Collection method: clinical testing. Allele origin: germline. Affected: yes.

Juno Genomics, Hangzhou Juno Genomics, Inc
Classification: Pathogenic for Sotos syndrome. Review status: criteria provided, single submitter. Criteria: ACMG Guidelines, 2015. Collection method: clinical testing. Allele origin: germline. Affected: yes.
Comment: Null variant in a gene where loss of function (LOF) is a known mechanism of disease.;Absent from controls (or at extremely low frequency if recessive) in Genome Aggregation Database, Exome Sequencing Project, 1000 Genomes Project, or Exome Aggregation Consortium.;The prevalence of the variant in affected individuals is significantly increased compared to the prevalence in controls.

Literature cited by the submitters: PubMed 38535015 (cited by Division of Genetic & Genomic Pathology, Hong Kong Children's Hospital); PubMed 37066965 (cited by Division of Genetic & Genomic Pathology, Hong Kong Children's Hospital); PubMed 12464997 (cited by Labcorp Genetics (formerly Invitae), Labcorp); PubMed 14571271 (cited by Labcorp Genetics (formerly Invitae), Labcorp); PubMed 15942875 (cited by Labcorp Genetics (formerly Invitae), Labcorp); PubMed 16247291 (cited by Labcorp Genetics (formerly Invitae), Labcorp); PubMed 17565729 (cited by Labcorp Genetics (formerly Invitae), Labcorp).